The following is an entry in ClinVar:

ClinVar aggregate classification (germline): Benign (1 of 4 stars; one submission).

Allele frequency attached by ClinVar (database versions not stated): 1000 Genomes Project 30x 0.00281; 1000 Genomes Project 0.00319; TOPMed 0.00414; ESP Exome Variant Server 0.00477; gnomAD 0.00504; ExAC 0.00631.
gnomAD v4.1: 9,924 of 1,614,188 alleles (0.61%); highest among the groups gnomAD compares: South Asian, 1.2%; 56 homozygotes.

Submission:

CeGaT Center for Human Genetics Tuebingen
Classification: Benign. Last evaluated: 2022-12-01. Review status: criteria provided, single submitter. Criteria: CeGaT Center For Human Genetics Tuebingen Variant Classification Criteria Version 2. Collection method: clinical testing. Allele origin: germline. Affected: yes. Observed: 2 variant alleles.
Comment: MOV10L1: BP4, BS1, BS2

NM_018995.3(MOV10L1):c.391G>A (p.Ala131Thr)

Gene: MOV10L1 (Mov10 like RNA helicase 1; plus strand). Cytogenetic location: 22q13.33.
Variant type: single nucleotide variant.
Coding change: c.391G>A on transcript NM_018995.3 (MANE Select); coding-DNA position 391, G replaced by A.
Protein change: p.Ala131Thr; replaces alanine 131 with threonine.
Molecular consequence: missense variant.
Genome position (GRCh38, 1-based): chr22:50,099,551, G>A. VCF-style: chr22-50099551-G-A. GRCh37 (hg19) VCF-style: chr22-50537980-G-A.
Other names: c.391G>A, p.Ala131Thr (NM_001164104.2); c.331G>A, p.Ala111Thr (NM_001164105.2); short protein forms A111T, A131T.
Identifiers: ClinVar variation 2653363 (VCV002653363.24), dbSNP rs140532446, ClinGen allele CA10303876.
Genomic context (GRCh38, chr22:50,099,551, plus strand): 5'-AGTCCCTCAGACTGCGGCCCCCGAGTGTTGATTGGCTGTGTGACTTCCCTGGTGGAGGGC[G>A]CAGGCTGTATCAGTCAGACCACCTACTTCTCTCTGGAGAGTGTGTGCGAAGGTATGCTCA-3'
Protein context (NP_061868.1, residues 121-141): IGCVTSLVEG[Ala131Thr]GCISQTTYFS